The following is an entry in ClinVar:

ClinVar aggregate classification (germline): Uncertain significance. Review status: criteria provided, multiple submitters, no conflicts (2 of 4 stars). 2 submissions from 2 submitters: Uncertain significance (2). Last evaluated 2026-07-31.

Conditions:
Familial thoracic aortic aneurysm and aortic dissection (TAAD). Also called: Thoracic aortic aneurysms and dissections. Identifiers: Orphanet 91387, MedGen C4707243, MONDO:0019625.
Ehlers-Danlos syndrome, classic type, 1 (EDSCL1). Also called: EHLERS-DANLOS SYNDROME, GRAVIS TYPE; EHLERS-DANLOS SYNDROME, SEVERE CLASSIC TYPE; EDS I; Ehlers-Danlos syndrome, type 1; Ehlers-Danlos Syndrome, Classic Type, COL5A1-Related. Identifiers: MedGen C0268335, MONDO:0019567, OMIM 130000.

Allele frequency attached by ClinVar (database versions not stated): gnomAD exomes below 0.00001 and 0.00001; TOPMed below 0.00001; gnomAD 0.00001.
gnomAD v4.1: 9 of 1,613,906 alleles (0.00056%); highest among the groups gnomAD compares: Middle Eastern, 0.033%; no homozygotes.

Submissions (2):

Ambry Genetics
Classification: Uncertain significance for Familial thoracic aortic aneurysm and aortic dissection. Last evaluated: 2026-07-31. Review status: criteria provided, single submitter. Criteria: Ambry Variant Classification Scheme 2023. Collection method: clinical testing. Allele origin: germline.
Comment: The p.G1710R variant (also known as c.5128G>C), located in coding exon 64 of the COL5A1 gene, results from a G to C substitution at nucleotide position 5128. The glycine at codon 1710 is replaced by arginine, an amino acid with dissimilar properties. This amino acid position is highly conserved in available vertebrate species. In addition, this alteration is predicted to be deleterious by in silico analysis. Based on the available evidence, the clinical significance of this variant remains unclear.

Labcorp Genetics (formerly Invitae), Labcorp
Classification: Uncertain significance for Ehlers-Danlos syndrome, classic type, 1. Last evaluated: 2025-09-22. Review status: criteria provided, single submitter. Criteria: Invitae Variant Classification Sherloc (09022015). Collection method: clinical testing. Allele origin: germline.
Comment: This sequence change replaces glycine, which is neutral and non-polar, with arginine, which is basic and polar, at codon 1710 of the COL5A1 protein (p.Gly1710Arg). The frequency data for this variant in the population databases is considered unreliable, as metrics indicate poor data quality at this position in the gnomAD database. This variant has not been reported in the literature in individuals affected with COL5A1-related conditions. ClinVar contains an entry for this variant (Variation ID: 854062). Invitae Evidence Modeling of protein sequence and biophysical properties (such as structural, functional, and spatial information, amino acid conservation, physicochemical variation, residue mobility, and thermodynamic stability) indicates that this missense variant is expected to disrupt COL5A1 protein function with a positive predictive value of 95%. In summary, the available evidence is currently insufficient to determine the role of this variant in disease. Therefore, it has been classified as a Variant of Uncertain Significance.

NM_000093.5(COL5A1):c.5128G>C (p.Gly1710Arg)

Genes: COL5A1 (collagen type V alpha 1 chain; plus strand), LOC101448202 (uncharacterized LOC101448202; minus strand). Cytogenetic location: 9q34.3.
Variant type: single nucleotide variant.
Coding change: c.5128G>C on transcript NM_000093.5 (MANE Select); coding-DNA position 5128, G replaced by C.
Protein change: p.Gly1710Arg; replaces glycine 1710 with arginine.
Molecular consequence: missense variant. On other transcripts: intron variant (1).
Genome position (GRCh38, 1-based): chr9:134,830,036, G>C. VCF-style: chr9-134830036-G-C. GRCh37 (hg19) VCF-style: chr9-137721882-G-C.
Other names: c.5128G>C (NM_000093.3); c.5068-72G>C (NM_001278074.1); short protein forms G1710R.
Identifiers: ClinVar variation 854062 (VCV000854062.11), dbSNP rs1339470102, ClinGen allele CA375459411.
Genomic context (GRCh38, chr9:134,830,036, plus strand): 5'-GCCAGAATCACTTCTTGGCCCAAAGAAAACCCGGGCTCCTGGTTCAGTGAATTCAAGCGT[G>C]GGAAACTGGTAAGGTGGCCTCTGGCGTCTTTGCGGTTGTCACTTTAAACCCGCCCATCTC-3'
Protein context (NP_000084.3, residues 1700-1720): PGSWFSEFKR[Gly1710Arg]KLLSYVDAEG